The following is an entry in ClinVar:

NM_001243133.2(NLRP3):c.2364C>A (p.Ile788=)

Gene: NLRP3 (NLR family pyrin domain containing 3; plus strand). Cytogenetic location: 1q44.
Variant type: single nucleotide variant.
Coding change: c.2364C>A on transcript NM_001243133.2 (MANE Select); coding-DNA position 2364, C replaced by A.
Protein change: p.Ile788=; no amino-acid change (isoleucine 788 retained).
Molecular consequence: synonymous variant.
Genome position (GRCh38, 1-based): chr1:247,434,145, C>A. VCF-style: chr1-247434145-C-A. GRCh37 (hg19) VCF-style: chr1-247597447-C-A.
Other names: c.2364C>A, p.Ile788= (NM_001079821.3, NM_001127461.3); c.2193C>A, p.Ile731= (NM_001127462.3, NM_183395.3); c.2370C>A, p.Ile790= (NM_004895.5).
Identifiers: ClinVar variation 703154 (VCV000703154.25), dbSNP rs766840708, ClinGen allele CA1495224.

ClinVar aggregate classification (germline): Benign/Likely benign. Review status: criteria provided, multiple submitters, no conflicts (2 of 4 stars). 5 submissions from 5 submitters: Benign (3); Likely benign (1). 1 of the submissions does not count toward it. Last evaluated 2025-12-21.

Conditions:
NLRP3-related disorder. Also called: NLRP3-related condition; NLRP3-Related Disorders.
Cryopyrin associated periodic syndrome (CAPS). Identifiers: Orphanet 208650, MedGen C2316212, MONDO:0016168.

Allele frequency attached by ClinVar (database versions not stated): gnomAD exomes 0.00005 and 0.00021; gnomAD 0.00012 and 0.00013; ExAC 0.00015; TOPMed 0.00015.
gnomAD v4.1: 95 of 1,611,430 alleles (0.0059%); highest among the groups gnomAD compares: Admixed American, 0.15%; no homozygotes.

Submissions (5):

Labcorp Genetics (formerly Invitae), Labcorp
Classification: Benign for Cryopyrin associated periodic syndrome. Last evaluated: 2025-12-21. Review status: criteria provided, single submitter. Criteria: Invitae Variant Classification Sherloc (09022015). Collection method: clinical testing. Allele origin: germline.

Blueprint Genetics
Classification: Likely benign. Last evaluated: 2024-10-11. Review status: criteria provided, single submitter. Criteria: ACMG Guidelines, 2015. Collection method: clinical testing. Allele origin: germline.

ARUP Laboratories, Molecular Genetics and Genomics, ARUP Laboratories
Classification: Benign. Last evaluated: 2023-02-14. Review status: criteria provided, single submitter. Criteria: ARUP Molecular Germline Variant Investigation Process 2024. Collection method: clinical testing. Allele origin: germline.

GeneDx
Classification: Benign. Last evaluated: 2015-03-03. Review status: criteria provided, single submitter. Criteria: GeneDx Variant Classification Process June 2021. Collection method: clinical testing. Allele origin: germline. Affected: yes.

PreventionGenetics, part of Exact Sciences
Classification: Likely benign for NLRP3-related condition. Last evaluated: 2020-02-11. Review status: no assertion criteria provided. Collection method: clinical testing. Allele origin: germline. Not counted in ClinVar's aggregate classification.
Comment: This variant is classified as likely benign based on ACMG/AMP sequence variant interpretation guidelines (Richards et al. 2015 PMID: 25741868, with internal and published modifications).